The following is an entry in ClinVar:

NM_032578.4(MYPN):c.2925+121A>G

Gene: MYPN (myopalladin; plus strand). Cytogenetic location: 10q21.3.
Variant type: single nucleotide variant.
Coding change: c.2925+121A>G on transcript NM_032578.4 (MANE Select); 121 bases into the intron after coding-DNA position 2925, A replaced by G.
Molecular consequence: intron variant.
Genome position (GRCh38, 1-based): chr10:68,189,247, A>G. VCF-style: chr10-68189247-A-G. GRCh37 (hg19) VCF-style: chr10-69949004-A-G.
Other names: c.2925+121A>G (NM_001256267.2); c.2043+121A>G (NM_001256268.2).
Identifiers: ClinVar variation 675866 (VCV000675866.1), dbSNP rs151136803, ClinGen allele CA208217435.

ClinVar aggregate classification (germline): Likely benign (1 of 4 stars; one submission).

Allele frequency attached by ClinVar (database versions not stated): gnomAD exomes 0.00040; 1000 Genomes Project 30x 0.00281; 1000 Genomes Project 0.00319; gnomAD 0.00326 and 0.00363; TOPMed 0.00368.
gnomAD v4.1: 730 of 738,966 alleles (0.099%); highest among the groups gnomAD compares: African/African-American, 1.2%; 4 homozygotes.

Submission:

GeneDx
Classification: Likely benign. Last evaluated: 2018-06-16. Review status: criteria provided, single submitter. Criteria: GeneDx Variant Classification (06012015). Collection method: clinical testing. Allele origin: germline. Affected: yes.
Comment: This variant is considered likely benign or benign based on one or more of the following criteria: it is a conservative change, it occurs at a poorly conserved position in the protein, it is predicted to be benign by multiple in silico algorithms, and/or has population frequency not consistent with disease.